The following is an entry in ClinVar:

ClinVar aggregate classification (germline): Conflicting classifications of pathogenicity. Review status: criteria provided, conflicting classifications (1 of 4 stars). 5 submissions from 5 submitters: Uncertain significance (3); Benign (1); Likely benign (1). Last evaluated 2026-08-10.

Conditions:
Hereditary nonpolyposis colorectal neoplasms. Identifiers: MedGen C0009405, MeSH D003123.
Hereditary cancer-predisposing syndrome. Also called: Neoplastic Syndromes, Hereditary; Hereditary Cancer Syndrome; Tumor predisposition; Hereditary neoplastic syndrome. Identifiers: Orphanet 140162, MedGen C0027672, MeSH D009386, MONDO:0015356.

Allele frequency attached by ClinVar (database versions not stated): gnomAD exomes below 0.00001 and 0.00001; TOPMed below 0.00001; ExAC 0.00002.

Submissions (5):

Ambry Genetics
Classification: Likely benign for Hereditary cancer-predisposing syndrome. Last evaluated: 2026-08-10. Review status: criteria provided, single submitter. Criteria: Ambry Variant Classification Scheme 2023. Collection method: clinical testing. Allele origin: germline.

Labcorp Genetics (formerly Invitae), Labcorp
Classification: Benign for Hereditary nonpolyposis colorectal neoplasms. Last evaluated: 2025-12-19. Review status: criteria provided, single submitter. Criteria: Invitae Variant Classification Sherloc (09022015). Collection method: clinical testing. Allele origin: germline.

Sema4
Classification: Uncertain significance for Hereditary cancer-predisposing syndrome. Last evaluated: 2021-04-14. Review status: criteria provided, single submitter. Criteria: Sema4 Curation Guidelines. Collection method: curation. Allele origin: germline.
Comment: The MSH6 c.112C>T (p.P38S) variant has not been reported in the literature to our knowledge. It was observed in 2/17442 chromosomes of the East Asian subpopulation in the large and broad cohorts of the Genome Aggregation Database (PMID: 32461654). The variant has been reported in ClinVar (Variation ID: 419822). In silico tools suggest the impact of the variant on protein function is benign, though these predictions have not been confirmed by functional studies. The evidence is insufficient to meet ACMG/AMP criteria for classifying the variant as benign or pathogenic. Thus, the clinical significance of this variant is currently uncertain.

GeneDx
Classification: Uncertain significance. Last evaluated: 2019-07-17. Review status: criteria provided, single submitter. Criteria: GeneDx Variant Classification Process June 2021. Collection method: clinical testing. Allele origin: germline. Affected: yes.
Comment: Not observed at a significant frequency in large population cohorts (Lek et al., 2016); In silico analysis, which includes protein predictors and evolutionary conservation, supports that this variant does not alter protein structure/function

Color Diagnostics, LLC DBA Color Health
Classification: Uncertain significance for Hereditary cancer-predisposing syndrome. Last evaluated: 2018-11-28. Review status: criteria provided, single submitter. Criteria: ACMG Guidelines, 2015. Collection method: clinical testing. Allele origin: germline.

NM_000179.3(MSH6):c.112C>T (p.Pro38Ser)

Gene: MSH6 (mutS homolog 6; plus strand). Cytogenetic location: 2p16.3.
Variant type: single nucleotide variant.
Coding change: c.112C>T on transcript NM_000179.3 (MANE Select); coding-DNA position 112, C replaced by T.
Protein change: p.Pro38Ser; replaces proline 38 with serine.
Molecular consequence: missense variant. On other transcripts: 5 prime UTR variant (1).
Genome position (GRCh38, 1-based): chr2:47,783,345, C>T. VCF-style: chr2-47783345-C-T. GRCh37 (hg19) VCF-style: chr2-48010484-C-T.
Other names: c.112C>T, p.Pro38Ser (NM_001281492.2); c.-625C>T (NM_001281493.2); short protein forms P38S.
Identifiers: ClinVar variation 419822 (VCV000419822.21), dbSNP rs764009461, ClinGen allele CA067184.
Genomic context (GRCh38, chr2:47,783,345, plus strand): 5'-AGTGATGCCAACAAGGCCTCGGCCAGGGCCTCACGCGAAGGCGGCCGTGCCGCCGCTGCC[C>T]CCGGGGCCTCTCCTTCCCCAGGCGGGGATGCGGCCTGGAGCGAGGCTGGGCCTGGGCCCA-3'
Protein context (NP_000170.1, residues 28-48): SREGGRAAAA[Pro38Ser]GASPSPGGDA